The following is an entry in ClinVar:

ClinVar aggregate classification (germline): Uncertain significance (1 of 4 stars; one submission).

Conditions:
Cardiovascular phenotype. Identifiers: MedGen CN230736.

Submission:

Ambry Genetics
Classification: Uncertain significance for Cardiovascular phenotype. Last evaluated: 2024-04-07. Review status: criteria provided, single submitter. Criteria: Ambry Variant Classification Scheme 2023. Collection method: clinical testing. Allele origin: germline.
Comment: The c.6380_6385delAGGTGA variant (also known as p.K2127_V2128del) is located in coding exon 39 of the FLNC gene. This variant results from an in-frame AGGTGA deletion at nucleotide positions 6380 to 6385. This results in the in-frame deletion of lysine and valine residues at codons 2127 and 2128, respectively. This amino acid region is well conserved in available vertebrate species. In addition, this alteration is predicted to be deleterious by in silico analysis (Choi Y et al. PLoS ONE. 2012; 7(10):e46688). Based on the available evidence, the clinical significance of this variant remains unclear.

NM_001458.5(FLNC):c.6380_6385del (p.Lys2127_Val2128del)

Genes: FLNC (filamin C; plus strand), FLNC-AS1 (FLNC antisense RNA 1; minus strand). Cytogenetic location: 7q32.1.
Variant type: Deletion.
Coding change: c.6380_6385del on transcript NM_001458.5 (MANE Select); coding-DNA positions 6380 to 6385, 6 bases deleted (AGGTGA; older notation c.6380_6385delAGGTGA).
Protein change: p.Lys2127_Val2128del.
Molecular consequence: inframe deletion.
Genome position (GRCh38, 1-based): chr7:128,853,733-128,853,738, AGGTGA deleted; deleting any 6 consecutive bases within chr7:128,853,729-128,853,738 gives the same sequence; the c. name uses the placement nearest the transcript's 3' end. VCF-style (leftmost placement, unchanged base first): chr7-128853728-TGTGAAG-T. GRCh37 (hg19) VCF-style: chr7-128493782-TGTGAAG-T.
Other names: c.6281_6286del, p.Lys2094_Val2095del (NM_001127487.2).
Identifiers: ClinVar variation 3279204 (VCV003279204.1).